The following is an entry in ClinVar:

ClinVar aggregate classification (germline): Uncertain significance. Review status: criteria provided, multiple submitters, no conflicts (2 of 4 stars). 3 submissions from 3 submitters: Uncertain significance (3). Last evaluated 2023-10-01.

Conditions:
Retinal dystrophy. Also called: Inherited retinal dystrophy. Identifiers: Orphanet 71862, MedGen C0854723, MeSH D058499, MONDO:0019118, HP:0000556.

Allele frequency attached by ClinVar (database versions not stated): gnomAD exomes below 0.00001; gnomAD 0.00001.
gnomAD v4.1: 8 of 1,614,162 alleles (0.0005%); highest among the groups gnomAD compares: East Asian, 0.013%; no homozygotes.

Submissions (3):

Dept Of Ophthalmology, Nagoya University
Classification: Uncertain significance for Retinal dystrophy. Last evaluated: 2023-10-01. Review status: criteria provided, single submitter. Criteria: Submitter's publication. Collection method: research. Allele origin: germline. Affected: yes.

Labcorp Genetics (formerly Invitae), Labcorp
Classification: Uncertain significance. Last evaluated: 2021-10-16. Review status: criteria provided, single submitter. Criteria: Invitae Variant Classification Sherloc (09022015). Collection method: clinical testing. Allele origin: germline.
Comment: In summary, the available evidence is currently insufficient to determine the role of this variant in disease. Therefore, it has been classified as a Variant of Uncertain Significance. Algorithms developed to predict the effect of missense changes on protein structure and function (SIFT, PolyPhen-2, Align-GVGD) all suggest that this variant is likely to be tolerated. This variant has not been reported in the literature in individuals affected with HK1-related conditions. This variant is not present in population databases (ExAC no frequency). This sequence change replaces isoleucine with valine at codon 118 of the HK1 protein (p.Ile118Val). The isoleucine residue is moderately conserved and there is a small physicochemical difference between isoleucine and valine.

Blueprint Genetics
Classification: Uncertain significance. Last evaluated: 2020-03-24. Review status: criteria provided, single submitter. Criteria: ACMG Guidelines, 2015. Collection method: clinical testing. Allele origin: germline.

NM_000188.3(HK1):c.352A>G (p.Ile118Val)

Gene: HK1 (hexokinase 1; plus strand). Cytogenetic location: 10q22.1.
Variant type: single nucleotide variant.
Coding change: c.352A>G on transcript NM_000188.3 (MANE Select); coding-DNA position 352, A replaced by G.
Protein change: p.Ile118Val; replaces isoleucine 118 with valine.
Molecular consequence: missense variant.
Genome position (GRCh38, 1-based): chr10:69,360,022, A>G. VCF-style: chr10-69360022-A-G. GRCh37 (hg19) VCF-style: chr10-71119778-A-G.
Other names: c.364A>G, p.Ile122Val (NM_001322364.2, NM_001358263.1, NM_033497.3 and 1 more transcripts); c.457A>G, p.Ile153Val (NM_001322365.2); c.268A>G, p.Ile90Val (NM_001322366.1); c.352A>G, p.Ile118Val (NM_001322367.1); c.349A>G, p.Ile117Val (NM_033496.3); c.316A>G, p.Ile106Val (NM_033500.2); short protein forms I106V, I117V, I90V, I118V, I122V, I153V.
Identifiers: ClinVar variation 1482282 (VCV001482282.8), dbSNP rs1003894409, ClinGen allele CA209234207.